The following is an entry in ClinVar:

ClinVar aggregate classification (germline): Conflicting classifications of pathogenicity. Review status: criteria provided, conflicting classifications (1 of 4 stars). 4 submissions from 4 submitters: Uncertain significance (3); Likely benign (1). Last evaluated 2026-06-02.

Conditions:
Inborn genetic diseases. Identifiers: MedGen C0950123, MeSH D030342.
COL11A1-related disorder. Also called: COL11A1-related condition; COL11A1-related disorders.

Allele frequency attached by ClinVar (database versions not stated): gnomAD exomes below 0.00001; gnomAD 0.00003 and 0.00004; TOPMed 0.00004.
gnomAD v4.1: 8 of 1,606,932 alleles (0.0005%); highest among the groups gnomAD compares: Admixed American, 0.0083%; no homozygotes.

Submissions (4):

PreventionGenetics, part of Exact Sciences
Classification: Uncertain significance for COL11A1-related condition. Last evaluated: 2026-06-02. Review status: criteria provided, single submitter. Criteria: ACMG Guidelines, 2015. Collection method: clinical testing. Allele origin: germline.
Comment: The COL11A1 c.788C>T variant is predicted to result in the amino acid substitution p.Pro263Leu. To our knowledge, this variant has not been reported in the literature. This variant has been reported in one out of ~251,300 alleles in gnomAD. At this time, the clinical significance of this variant is uncertain due to the absence of conclusive functional and genetic evidence.

Labcorp Genetics (formerly Invitae), Labcorp
Classification: Likely benign. Last evaluated: 2025-12-26. Review status: criteria provided, single submitter. Criteria: Invitae Variant Classification Sherloc (09022015). Collection method: clinical testing. Allele origin: germline.

GeneDx
Classification: Uncertain significance. Last evaluated: 2024-06-11. Review status: criteria provided, single submitter. Criteria: GeneDx Variant Classification Process June 2021. Collection method: clinical testing. Allele origin: germline.
Comment: Has not been previously published as pathogenic or benign to our knowledge; Not observed at significant frequency in large population cohorts (gnomAD); Not located in the triple helical region, where the majority of pathogenic missense variants occur (PMID: 25240749); In silico analysis supports that this missense variant has a deleterious effect on protein structure/function; This variant is associated with the following publications: (PMID: 25240749)

Ambry Genetics
Classification: Uncertain significance for Inborn genetic diseases. Last evaluated: 2023-11-20. Review status: criteria provided, single submitter. Criteria: Ambry Variant Classification Scheme 2023. Collection method: clinical testing. Allele origin: germline.

NM_001854.4(COL11A1):c.788C>T (p.Pro263Leu)

Gene: COL11A1 (collagen type XI alpha 1 chain; minus strand). Cytogenetic location: 1p21.1.
Variant type: single nucleotide variant.
Coding change: c.788C>T on transcript NM_001854.4 (MANE Select); coding-DNA position 788, C replaced by T.
Protein change: p.Pro263Leu; replaces proline 263 with leucine.
Molecular consequence: missense variant. On other transcripts: non-coding transcript variant (1), intron variant (2).
Genome position (GRCh38, 1-based): chr1:103,026,325, G>A on the plus strand (C>T on the coding strand, the complement: COL11A1 is on the minus strand). VCF-style: chr1-103026325-G-A. GRCh37 (hg19) VCF-style: chr1-103491881-G-A.
Other names: c.788C>T (NM_001854.3); c.788C>T, p.Pro263Leu (NM_080630.4); c.781-712C>T (NM_001190709.2); c.781-373C>T (NM_080629.3); short protein forms P263L.
Identifiers: ClinVar variation 1430860 (VCV001430860.9), dbSNP rs945959591, ClinGen allele CA27713352.
Genomic context (GRCh38, chr1:103,026,325, plus strand): 5'-CTTTCAGCCTCTTTATACTCTGCTTCCCCATACTCATAGTCATATTCGATTATATCCTCT[G>A]GTGCATACTACATTGCAAAGGAAAAAATATCAGGCAATTGTGTTAGTGGCAAAATACTAT-3'
Protein context (NP_001845.3, residues 253-273): AQEPQIDEYA[Pro263Leu]EDIIEYDYEY